The following is an entry in ClinVar:

ClinVar aggregate classification (germline): Uncertain significance (1 of 4 stars; one submission).

Allele frequency attached by ClinVar (database versions not stated): TOPMed below 0.00001; gnomAD 0.00001.
gnomAD v4.1: 1 of 1,613,888 alleles (0.000062%); highest among the groups gnomAD compares: Non-Finnish European, 0.000085%; no homozygotes.

Submission:

Labcorp Genetics (formerly Invitae), Labcorp
Classification: Uncertain significance. Last evaluated: 2024-02-24. Review status: criteria provided, single submitter. Criteria: Invitae Variant Classification Sherloc (09022015). Collection method: clinical testing. Allele origin: germline.
Comment: This sequence change replaces serine, which is neutral and polar, with arginine, which is basic and polar, at codon 286 of the LARP7 protein (p.Ser286Arg). This variant is not present in population databases (gnomAD no frequency). This variant has not been reported in the literature in individuals affected with LARP7-related conditions. ClinVar contains an entry for this variant (Variation ID: 1516216). Advanced modeling of protein sequence and biophysical properties (such as structural, functional, and spatial information, amino acid conservation, physicochemical variation, residue mobility, and thermodynamic stability) performed at Invitae indicates that this missense variant is not expected to disrupt LARP7 protein function with a negative predictive value of 80%. In summary, the available evidence is currently insufficient to determine the role of this variant in disease. Therefore, it has been classified as a Variant of Uncertain Significance.

NM_016648.4(LARP7):c.858C>G (p.Ser286Arg)

Genes: LARP7 (La ribonucleoprotein 7, transcriptional regulator; plus strand), MIR302CHG (miR-302/367 cluster host gene; minus strand). Cytogenetic location: 4q25.
Variant type: single nucleotide variant.
Coding change: c.858C>G on transcript NM_016648.4 (MANE Select); coding-DNA position 858, C replaced by G.
Protein change: p.Ser286Arg; replaces serine 286 with arginine.
Molecular consequence: missense variant.
Genome position (GRCh38, 1-based): chr4:112,647,410, C>G. VCF-style: chr4-112647410-C-G. GRCh37 (hg19) VCF-style: chr4-113568566-C-G.
Other names: c.858C>G, p.Ser286Arg (NM_001267039.4, NM_001370974.1, NM_001370975.1 and 2 more transcripts); c.855C>G, p.Ser285Arg (NM_001370976.1, NM_001370977.1, NM_001370979.1 and 1 more transcripts); c.621C>G, p.Ser207Arg (NM_001370981.1, NM_001370982.1); short protein forms S207R, S285R, S286R.
Identifiers: ClinVar variation 1516216 (VCV001516216.6), dbSNP rs1384562480, ClinGen allele CA357925878.